The following is an entry in ClinVar:

NM_019098.5(CNGB3):c.1889A>C (p.His630Pro)

Gene: CNGB3 (cyclic nucleotide gated channel subunit beta 3; minus strand). Cytogenetic location: 8q21.3.
Variant type: single nucleotide variant.
Coding change: c.1889A>C on transcript NM_019098.5 (MANE Select); coding-DNA position 1889, A replaced by C.
Protein change: p.His630Pro; replaces histidine 630 with proline.
Molecular consequence: missense variant.
Genome position (GRCh38, 1-based): chr8:86,579,145, T>G on the plus strand (A>C on the coding strand, the complement: CNGB3 is on the minus strand). VCF-style: chr8-86579145-T-G. GRCh37 (hg19) VCF-style: chr8-87591373-T-G.
Other names: c.1889A>C (NM_019098.4); short protein forms H630P.
Identifiers: ClinVar variation 374614 (VCV000374614.46), dbSNP rs868194989, ClinGen allele CA16043817.
Genomic context (GRCh38, chr8:86,579,145, plus strand): 5'-ATGGTGTTTTAAAGGTTGTACCTGGCTTTCTTCATGAGGATCCTTTCAGAATCTGGATAA[T>G]GCACTAGAATTTCTTGGAGGGTCTTTTTGTCTAGAGTTAAAAGATTGGCAAACCCGTGGG-3'
Protein context (NP_061971.3, residues 620-640): DKKTLQEILV[His630Pro]YPDSERILMK

ClinVar aggregate classification (germline): Uncertain significance. Review status: criteria provided, multiple submitters, no conflicts (2 of 4 stars). 3 submissions from 3 submitters: Uncertain significance (3). Last evaluated 2023-06-07.

Conditions:
Inborn genetic diseases. Identifiers: MedGen C0950123, MeSH D030342.

Allele frequency attached by ClinVar (database versions not stated): gnomAD exomes below 0.00001.
gnomAD v4.1: 8 of 1,614,150 alleles (0.0005%); highest among the groups gnomAD compares: Middle Eastern, 0.033%; no homozygotes.

Submissions (3):

Ambry Genetics
Classification: Uncertain significance for Inborn genetic diseases. Last evaluated: 2023-06-07. Review status: criteria provided, single submitter. Criteria: Ambry Variant Classification Scheme 2023. Collection method: clinical testing. Allele origin: germline.

Labcorp Genetics (formerly Invitae), Labcorp
Classification: Uncertain significance. Last evaluated: 2021-08-28. Review status: criteria provided, single submitter. Criteria: Invitae Variant Classification Sherloc (09022015). Collection method: clinical testing. Allele origin: germline.
Comment: This sequence change replaces histidine with proline at codon 630 of the CNGB3 protein (p.His630Pro). The histidine residue is highly conserved and there is a moderate physicochemical difference between histidine and proline. This variant is not present in population databases (ExAC no frequency). This variant has not been reported in the literature in individuals affected with CNGB3-related conditions. ClinVar contains an entry for this variant (Variation ID: 374614). Algorithms developed to predict the effect of missense changes on protein structure and function (SIFT, PolyPhen-2, Align-GVGD) all suggest that this variant is likely to be disruptive. In summary, the available evidence is currently insufficient to determine the role of this variant in disease. Therefore, it has been classified as a Variant of Uncertain Significance.

CeGaT Center for Human Genetics Tuebingen
Classification: Uncertain significance. Last evaluated: 2016-07-01. Review status: criteria provided, single submitter. Criteria: CeGaT Center For Human Genetics Tuebingen Variant Classification Criteria Version 2. Collection method: clinical testing. Allele origin: germline. Affected: yes. Observed: 1 variant allele.